The following is an entry in ClinVar:

NM_005184.4(CALM3):c.35-179G>A

Gene: CALM3 (calmodulin 3; plus strand). Cytogenetic location: 19q13.32.
Variant type: single nucleotide variant.
Coding change: c.35-179G>A on transcript NM_005184.4 (MANE Select); 179 bases into the intron before coding-DNA position 35, G replaced by A.
Molecular consequence: intron variant.
Genome position (GRCh38, 1-based): chr19:46,608,018, G>A. VCF-style: chr19-46608018-G-A. GRCh37 (hg19) VCF-style: chr19-47111275-G-A.
Other names: c.-74-179G>A (NM_001329921.1, NM_001329925.2, NM_001329923.1); c.-72-181G>A (NM_001329924.2); c.-66-187G>A (NM_001329926.2); c.35-179G>A (NM_001329922.1).
Identifiers: ClinVar variation 679088 (VCV000679088.1), dbSNP rs73940732, ClinGen allele CA309076550.

ClinVar aggregate classification (germline): Likely benign (1 of 4 stars; one submission).

Allele frequency attached by ClinVar (database versions not stated): 1000 Genomes Project 0.00819; gnomAD 0.00885 and 0.00938; 1000 Genomes Project 30x 0.00906; TOPMed 0.00952.

Submission:

GeneDx
Classification: Likely benign. Last evaluated: 2018-06-19. Review status: criteria provided, single submitter. Criteria: GeneDx Variant Classification (06012015). Collection method: clinical testing. Allele origin: germline. Affected: yes.
Comment: This variant is considered likely benign or benign based on one or more of the following criteria: it is a conservative change, it occurs at a poorly conserved position in the protein, it is predicted to be benign by multiple in silico algorithms, and/or has population frequency not consistent with disease.